The following is an entry in ClinVar:

NM_213622.4(STAMBP):c.424C>G (p.Leu142Val)

Gene: STAMBP (STAM binding protein; plus strand). Cytogenetic location: 2p13.1.
Variant type: single nucleotide variant.
Coding change: c.424C>G on transcript NM_213622.4 (MANE Select); coding-DNA position 424, C replaced by G.
Protein change: p.Leu142Val; replaces leucine 142 with valine.
Molecular consequence: missense variant. On other transcripts: non-coding transcript variant (4).
Genome position (GRCh38, 1-based): chr2:73,847,435, C>G. VCF-style: chr2-73847435-C-G. GRCh37 (hg19) VCF-style: chr2-74074562-C-G.
Other names: c.424C>G, p.Leu142Val (NM_001353967.2, NM_001353968.2, NM_001353969.2 and 3 more transcripts); c.19C>G, p.Leu7Val (NM_001353971.2, NM_001353972.2, NM_001353973.2 and 3 more transcripts); short protein forms L142V, L7V.
Identifiers: ClinVar variation 2046847 (VCV002046847.2), dbSNP rs186098243, ClinGen allele CA1717552.

ClinVar aggregate classification (germline): Uncertain significance (1 of 4 stars; one submission).

Allele frequency attached by ClinVar (database versions not stated): gnomAD 0.00006; TOPMed 0.00006; ExAC 0.00013; 1000 Genomes Project 0.00040; 1000 Genomes Project 30x 0.00047.
gnomAD v4.1: 97 of 1,613,308 alleles (0.006%); highest among the groups gnomAD compares: East Asian, 0.21%; no homozygotes.

Submission:

Labcorp Genetics (formerly Invitae), Labcorp
Classification: Uncertain significance. Last evaluated: 2022-03-20. Review status: criteria provided, single submitter. Criteria: Invitae Variant Classification Sherloc (09022015). Collection method: clinical testing. Allele origin: germline.
Comment: This variant is present in population databases (rs186098243, gnomAD 0.2%). This sequence change replaces leucine, which is neutral and non-polar, with valine, which is neutral and non-polar, at codon 142 of the STAMBP protein (p.Leu142Val). This variant has not been reported in the literature in individuals affected with STAMBP-related conditions. In summary, the available evidence is currently insufficient to determine the role of this variant in disease. Therefore, it has been classified as a Variant of Uncertain Significance. Algorithms developed to predict the effect of missense changes on protein structure and function (SIFT, PolyPhen-2, Align-GVGD) all suggest that this variant is likely to be tolerated.